The following is an entry in ClinVar:

NM_000059.4(BRCA2):c.6223_6227del (p.His2074_Lys2075insTer)

Gene: BRCA2 (BRCA2 DNA repair associated; plus strand). Cytogenetic location: 13q13.1.
Variant type: Deletion.
Coding change: c.6223_6227del on transcript NM_000059.4 (MANE Select); coding-DNA positions 6223 to 6227, 5 bases deleted (AAAGT; older notation c.6223_6227delAAAGT).
Protein change: p.His2074_Lys2075insTer.
Molecular consequence: nonsense. On other transcripts: frameshift variant (2).
Genome position (GRCh38, 1-based): chr13:32,340,578-32,340,582, AAAGT deleted. VCF-style (leftmost placement, unchanged base first): chr13-32340577-CAAAGT-C. GRCh37 (hg19) VCF-style: chr13-32914714-CAAAGT-C.
Other names: c.6223_6227delAAAGT, p.Lys2075Terfs (NM_001406719.1, NM_001406720.1).
Identifiers: ClinVar variation 1752307 (VCV001752307.2), dbSNP rs2548532832, ClinGen allele CA2580087863.

ClinVar aggregate classification (germline): Pathogenic (1 of 4 stars; one submission).

Conditions:
Hereditary cancer-predisposing syndrome. Also called: Hereditary Cancer Syndrome; Hereditary neoplastic syndrome; Neoplastic Syndromes, Hereditary; Tumor predisposition. Identifiers: Orphanet 140162, MedGen C0027672, MeSH D009386, MONDO:0015356.

Submission:

Ambry Genetics
Classification: Pathogenic for Hereditary cancer-predisposing syndrome. Last evaluated: 2019-03-21. Review status: criteria provided, single submitter. Criteria: Ambry Variant Classification Scheme 2023. Collection method: clinical testing. Allele origin: germline.
Comment: The c.6223_6227delAAAGT pathogenic mutation (also known as p.K2075*), located in coding exon 10 of the BRCA2 gene, results from a deletion of 5 nucleotides at nucleotide positions 6223 to 6227. This changes the amino acid from a lysine to a stop codon within coding exon 10. This alteration is expected to result in loss of function by premature protein truncation or nonsense-mediated mRNA decay. As such, this alteration is interpreted as a disease-causing mutation.